The following is an entry in ClinVar:

ClinVar aggregate classification (germline): Uncertain significance (1 of 4 stars; one submission).

Conditions:
Immunodeficiency, common variable, 7. Identifiers: Orphanet 1572, Orphanet 696894, MedGen C3542922, MONDO:0013862, OMIM 614699.

Allele frequency attached by ClinVar (database versions not stated): gnomAD exomes 0.00006 and 0.00001; gnomAD 0.00001.
gnomAD v4.1: 34 of 1,613,466 alleles (0.0021%); highest among the groups gnomAD compares: East Asian, 0.076%; no homozygotes.

Submission:

Labcorp Genetics (formerly Invitae), Labcorp
Classification: Uncertain significance for Immunodeficiency, common variable, 7. Last evaluated: 2019-12-04. Review status: criteria provided, single submitter. Criteria: Invitae Variant Classification Sherloc (09022015). Collection method: clinical testing. Allele origin: germline.
Comment: In summary, the available evidence is currently insufficient to determine the role of this variant in disease. Therefore, it has been classified as a Variant of Uncertain Significance. Algorithms developed to predict the effect of missense changes on protein structure and function output the following: SIFT: "Tolerated"; PolyPhen-2: "Benign"; Align-GVGD: "Class C0". The asparagine amino acid residue is found in multiple mammalian species, suggesting that this missense change does not adversely affect protein function. These predictions have not been confirmed by published functional studies and their clinical significance is uncertain. This variant has not been reported in the literature in individuals with CR2-related conditions. This variant is not present in population databases (ExAC no frequency). This sequence change replaces aspartic acid with asparagine at codon 760 of the CR2 protein (p.Asp760Asn). The aspartic acid residue is moderately conserved and there is a small physicochemical difference between aspartic acid and asparagine.

NM_001006658.3(CR2):c.2278G>A (p.Asp760Asn)

Gene: CR2 (complement C3d receptor 2; plus strand). Cytogenetic location: 1q32.2.
Variant type: single nucleotide variant.
Coding change: c.2278G>A on transcript NM_001006658.3 (MANE Select); coding-DNA position 2278, G replaced by A.
Protein change: p.Asp760Asn; replaces aspartic acid 760 with asparagine.
Molecular consequence: missense variant.
Genome position (GRCh38, 1-based): chr1:207,474,278, G>A. VCF-style: chr1-207474278-G-A. GRCh37 (hg19) VCF-style: chr1-207647623-G-A.
Other names: c.2101G>A, p.Asp701Asn (NM_001877.5); short protein forms D701N, D760N.
Identifiers: ClinVar variation 857787 (VCV000857787.7), dbSNP rs1260586997, ClinGen allele CA344536727.